The following is an entry in ClinVar:

ClinVar aggregate classification (germline): Uncertain significance (1 of 4 stars; one submission).

Conditions:
Congenital myasthenic syndrome 9. Also called: Myasthenic syndrome, congenital, 9, associated with acetylcholine receptor deficiency. Identifiers: Orphanet 590, MedGen C4225368, MONDO:0014587, OMIM 616325.
Fetal akinesia deformation sequence 1 (FADS1). Also called: Fetal akinesia sequence; Pena-Shokeir syndrome type I. Identifiers: Orphanet 994, MedGen C1276035, MONDO:0100101, OMIM 208150, HP:0001989.

Submission:

Labcorp Genetics (formerly Invitae), Labcorp
Classification: Uncertain significance for Congenital myasthenic syndrome 9; Fetal akinesia deformation sequence 1. Last evaluated: 2022-05-04. Review status: criteria provided, single submitter. Criteria: Invitae Variant Classification Sherloc (09022015). Collection method: clinical testing. Allele origin: germline.
Comment: This variant has not been reported in the literature in individuals affected with MUSK-related conditions. This variant is not present in population databases (gnomAD no frequency). This sequence change replaces arginine, which is basic and polar, with leucine, which is neutral and non-polar, at codon 816 of the MUSK protein (p.Arg816Leu). In summary, the available evidence is currently insufficient to determine the role of this variant in disease. Therefore, it has been classified as a Variant of Uncertain Significance. Advanced modeling of protein sequence and biophysical properties (such as structural, functional, and spatial information, amino acid conservation, physicochemical variation, residue mobility, and thermodynamic stability) performed at Invitae indicates that this missense variant is expected to disrupt MUSK protein function.

NM_005592.4(MUSK):c.2447G>T (p.Arg816Leu)

Gene: MUSK (muscle associated receptor tyrosine kinase; plus strand). Cytogenetic location: 9q31.3.
Variant type: single nucleotide variant.
Coding change: c.2447G>T on transcript NM_005592.4 (MANE Select); coding-DNA position 2447, G replaced by T.
Protein change: p.Arg816Leu; replaces arginine 816 with leucine.
Molecular consequence: missense variant.
Genome position (GRCh38, 1-based): chr9:110,800,825, G>T. VCF-style: chr9-110800825-G-T. GRCh37 (hg19) VCF-style: chr9-113563105-G-T.
Other names: c.2189G>T, p.Arg730Leu (NM_001166280.2); c.2159G>T, p.Arg720Leu (NM_001166281.2); c.1187G>T, p.Arg396Leu (NM_001369398.1); short protein forms R816L, R396L, R730L, R720L.
Identifiers: ClinVar variation 2133638 (VCV002133638.4), dbSNP rs764486887, ClinGen allele CA374479784.
Genomic context (GRCh38, chr9:110,800,825, plus strand): 5'-TCTCCTATGGCCTGCAGCCCTACTATGGGATGGCCCATGAGGAGGTCATTTACTACGTGC[G>T]AGATGGCAACATCCTCTCCTGCCCTGAGAACTGCCCCGTGGAGCTGTACAATCTCATGCG-3'
Protein context (NP_005583.1, residues 806-826): MAHEEVIYYV[Arg816Leu]DGNILSCPEN